The following is an entry in ClinVar:

ClinVar aggregate classification (germline): Likely pathogenic. Review status: criteria provided, single submitter (1 of 4 stars). 2 submissions from 2 submitters: Likely pathogenic (1). 1 of the submissions does not count toward it. Last evaluated 2023-03-30.

Conditions:
Fanconi anemia complementation group C (FANCC). Also called: Fanconi anemia, group C; FANCC-Related Fanconi Anemia; FANCONI PANCYTOPENIA, TYPE 3; FACC. Identifiers: Orphanet 84, MedGen C3468041, MONDO:0009213, OMIM 227645.

Submissions (2):

Baylor Genetics
Classification: Likely pathogenic for Fanconi anemia complementation group C. Last evaluated: 2023-03-30. Review status: criteria provided, single submitter. Criteria: ACMG Guidelines, 2015. Collection method: clinical testing. Allele origin: unknown.

Leiden Open Variation Database
Classification: Pathogenic for Fanconi anemia complementation group C. Last evaluated: 2020-02-28. Review status: no assertion criteria provided. Collection method: curation. Allele origin: germline. Affected: yes. Not counted in ClinVar's aggregate classification.
Comment: Curator: Arleen D. Auerbach. Submitter to LOVD: Arleen D. Auerbach.

NM_000136.3(FANCC):c.1208G>A (p.Trp403Ter)

Genes: FANCC (FA complementation group C; minus strand), AOPEP (aminopeptidase O (putative); plus strand). Cytogenetic location: 9q22.32.
Variant type: single nucleotide variant.
Coding change: c.1208G>A on transcript NM_000136.3 (MANE Select); coding-DNA position 1208, G replaced by A.
Protein change: p.Trp403Ter; replaces tryptophan 403 with a stop codon.
Molecular consequence: nonsense.
Genome position (GRCh38, 1-based): chr9:95,111,584, C>T on the plus strand (G>A on the coding strand, the complement: FANCC is on the minus strand). VCF-style: chr9-95111584-C-T. GRCh37 (hg19) VCF-style: chr9-97873866-C-T.
Other names: c.1208G>A, p.Trp403Ter (NM_001243743.2, NM_001243744.2); short protein forms W403*.
Identifiers: ClinVar variation 929816 (VCV000929816.2), dbSNP rs2071939263, ClinGen allele CA374107471.